The following is an entry in ClinVar:

NM_007194.4(CHEK2):c.46_48delinsTGA (p.Ser16Ter)

Gene: CHEK2 (checkpoint kinase 2; minus strand). Cytogenetic location: 22q12.1.
Variant type: Indel.
Coding change: c.46_48delinsTGA on transcript NM_007194.4 (MANE Select); coding-DNA positions 46 to 48, AGT replaced by TGA.
Protein change: p.Ser16Ter; replaces serine 16 with a stop codon.
Molecular consequence: nonsense. On other transcripts: 5 prime UTR variant (1), intron variant (1).
Genome position (GRCh38, 1-based): chr22:28,734,674-28,734,676, ACT replaced by TCA on the plus strand (AGT replaced by TGA on the coding strand, the reverse complement: CHEK2 is on the minus strand). VCF-style: chr22-28734674-ACT-TCA. GRCh37 (hg19) VCF-style: chr22-29130662-ACT-TCA.
Other names: c.46_48delinsTGA, p.Ser16Ter (NM_001005735.3, NM_001349956.3, NM_001438293.1 and 3 more transcripts); c.-732_-730delinsTGA (NM_001257387.3); c.-345+7093_-345+7095delinsTGA (NM_001437942.1); short protein forms S16*.
Identifiers: ClinVar variation 4634880 (VCV004634880.1).

ClinVar aggregate classification (germline): Pathogenic (1 of 4 stars; one submission).

Conditions:
Hereditary cancer-predisposing syndrome. Also called: Neoplastic Syndromes, Hereditary; Tumor predisposition; Hereditary Cancer Syndrome; Hereditary neoplastic syndrome. Identifiers: Orphanet 140162, MedGen C0027672, MeSH D009386, MONDO:0015356.

Submission:

Ambry Genetics
Classification: Pathogenic for Hereditary cancer-predisposing syndrome. Last evaluated: 2025-11-05. Review status: criteria provided, single submitter. Criteria: Ambry Variant Classification Scheme 2023. Collection method: clinical testing. Allele origin: germline.
Comment: The c.46_48delAGTinsTGA pathogenic mutation, located in coding exon 1 of the CHEK2 gene, results from an in-frame deletion of AGT and insertion of TGA at nucleotide positions 46 to 48. This results in the insertion of an extra serine residue at codon 16. This variant is considered to be rare based on population cohorts in the Genome Aggregation Database (gnomAD). This alteration is expected to result in loss of function by premature protein truncation or nonsense-mediated mRNA decay. Based on the supporting evidence, this variant is interpreted as a disease-causing mutation.